The following is an entry in ClinVar:

NM_004171.4(SLC1A2):c.349G>A (p.Gly117Ser)

Gene: SLC1A2 (solute carrier family 1 member 2; minus strand). Cytogenetic location: 11p13.
Variant type: single nucleotide variant.
Coding change: c.349G>A on transcript NM_004171.4 (MANE Select); coding-DNA position 349, G replaced by A.
Protein change: p.Gly117Ser; replaces glycine 117 with serine.
Molecular consequence: missense variant.
Genome position (GRCh38, 1-based): chr11:35,312,410, C>T on the plus strand (G>A on the coding strand, the complement: SLC1A2 is on the minus strand). VCF-style: chr11-35312410-C-T. GRCh37 (hg19) VCF-style: chr11-35333957-C-T.
Other names: c.322G>A, p.Gly108Ser (NM_001195728.3, NM_001252652.2); short protein forms G108S, G117S.
Identifiers: ClinVar variation 3626730 (VCV003626730.2).

ClinVar aggregate classification (germline): Uncertain significance (1 of 4 stars; one submission).

gnomAD v4.1: 1 of 1,614,142 alleles (0.000062%); highest among the groups gnomAD compares: Non-Finnish European, 0.000085%; no homozygotes.

Submission:

Labcorp Genetics (formerly Invitae), Labcorp
Classification: Uncertain significance. Last evaluated: 2024-07-10. Review status: criteria provided, single submitter. Criteria: Invitae Variant Classification Sherloc (09022015). Collection method: clinical testing. Allele origin: germline.
Comment: This sequence change replaces glycine, which is neutral and non-polar, with serine, which is neutral and polar, at codon 117 of the SLC1A2 protein (p.Gly117Ser). This variant is not present in population databases (gnomAD no frequency). This variant has not been reported in the literature in individuals affected with SLC1A2-related conditions. Advanced modeling of protein sequence and biophysical properties (such as structural, functional, and spatial information, amino acid conservation, physicochemical variation, residue mobility, and thermodynamic stability) performed at Invitae indicates that this missense variant is not expected to disrupt SLC1A2 protein function with a negative predictive value of 80%. In summary, the available evidence is currently insufficient to determine the role of this variant in disease. Therefore, it has been classified as a Variant of Uncertain Significance.